The following is an entry in ClinVar:

ClinVar aggregate classification (germline): Uncertain significance. Review status: criteria provided, multiple submitters, no conflicts (2 of 4 stars). 2 submissions from 2 submitters: Uncertain significance (2). Last evaluated 2022-08-22.

Conditions:
Intellectual disability. Also called: Intellectual functioning disability; intellectual disabilities; Intellectual developmental disorder. Identifiers: MedGen C3714756, MeSH D008607, MONDO:0001071, HP:0001249.

Allele frequency attached by ClinVar (database versions not stated): ESP Exome Variant Server 0.00023; gnomAD 0.00011; ExAC 0.00010; TOPMed 0.00015; gnomAD exomes 0.00023.

Submissions (2):

Labcorp Genetics (formerly Invitae), Labcorp
Classification: Uncertain significance. Last evaluated: 2022-08-22. Review status: criteria provided, single submitter. Criteria: Invitae Variant Classification Sherloc (09022015). Collection method: clinical testing. Allele origin: germline.
Comment: This sequence change replaces arginine, which is basic and polar, with glutamine, which is neutral and polar, at codon 269 of the UBR1 protein (p.Arg269Gln). This variant is present in population databases (rs200054312, gnomAD 0.02%). This variant has not been reported in the literature in individuals affected with UBR1-related conditions. Algorithms developed to predict the effect of missense changes on protein structure and function are either unavailable or do not agree on the potential impact of this missense change (SIFT: "Deleterious"; PolyPhen-2: "Possibly Damaging"; Align-GVGD: "Class C0"). In summary, the available evidence is currently insufficient to determine the role of this variant in disease. Therefore, it has been classified as a Variant of Uncertain Significance.

Cambridge Genomics Laboratory, East Genomic Laboratory Hub, NHS Genomic Medicine Service
Classification: Uncertain significance for Intellectual disability. Last evaluated: 2019-08-21. Review status: criteria provided, single submitter. Criteria: ACGS Best Practice Guidelines for Variant Classification in Rare Disease 2020. Collection method: clinical testing. Allele origin: germline. Affected: yes. Observed: 1 variant allele.

NM_174916.3(UBR1):c.806G>A (p.Arg269Gln)

Gene: UBR1 (ubiquitin protein ligase E3 component n-recognin 1; minus strand). Cytogenetic location: 15q15.2.
Variant type: single nucleotide variant.
Coding change: c.806G>A on transcript NM_174916.3 (MANE Select); coding-DNA position 806, G replaced by A.
Protein change: p.Arg269Gln; replaces arginine 269 with glutamine.
Molecular consequence: missense variant.
Genome position (GRCh38, 1-based): chr15:43,060,107, C>T on the plus strand (G>A on the coding strand, the complement: UBR1 is on the minus strand). VCF-style: chr15-43060107-C-T. GRCh37 (hg19) VCF-style: chr15-43352305-C-T.
Other names: short protein forms R269Q.
Identifiers: ClinVar variation 2056811 (VCV002056811.2), dbSNP rs200054312, ClinGen allele CA7518909.
Genomic context (GRCh38, chr15:43,060,107, plus strand): 5'-GTTACCTTTATATCTTCCTTTGCTTCCTGGCAAGCAGCATAAGCTCCCGCTTTAACAGCC[C>T]GACGACCCTAATTATAGACAAAAGTGAGAATTAGGTAGTGAAATGATAACCACAATCAAT-3'
Protein context (NP_777576.1, residues 259-279): HTTAIDKEGR[Arg269Gln]AVKAGAYAAC